The following is an entry in ClinVar:

NM_015656.2(KIF26A):c.1245C>A (p.Ser415Arg)

Gene: KIF26A (kinesin family member 26A; plus strand). Cytogenetic location: 14q32.33.
Variant type: single nucleotide variant.
Coding change: c.1245C>A on transcript NM_015656.2 (MANE Select); coding-DNA position 1245, C replaced by A.
Protein change: p.Ser415Arg; replaces serine 415 with arginine.
Molecular consequence: missense variant.
Genome position (GRCh38, 1-based): chr14:104,171,854, C>A. VCF-style: chr14-104171854-C-A. GRCh37 (hg19) VCF-style: chr14-104638191-C-A.
Other names: short protein forms S415R.
Identifiers: ClinVar variation 4092651 (VCV004092651.3).

ClinVar aggregate classification (germline): Conflicting classifications of pathogenicity. Review status: criteria provided, conflicting classifications (1 of 4 stars). 2 submissions from 2 submitters: Uncertain significance (1); Likely benign (1). Last evaluated 2025-11-26.

gnomAD v4.1: 380 of 1,554,592 alleles (0.024%); highest among the groups gnomAD compares: African/African-American, 0.48%; 1 homozygote.

Submissions (2):

Dasa
Classification: Uncertain significance. Last evaluated: 2025-11-26. Review status: criteria provided, single submitter. Criteria: DASA Assertion Criteria. Collection method: clinical testing. Allele origin: germline.
Comment: NM_015656.2(KIF26A):c.1245C>A (p.Ser415Arg) is a missense variant that results in the substitution of serine with arginine. This variant is rare in population databases. The currently available literature and clinical evidence are not sufficient to establish a definitive association between this variant and the reported condition. Therefore, this variant is classified as a variant of uncertain significance.

Ambry Genetics
Classification: Likely benign. Last evaluated: 2025-08-08. Review status: criteria provided, single submitter. Criteria: Ambry Variant Classification Scheme 2023. Collection method: clinical testing. Allele origin: germline.